The following is an entry in ClinVar:

NM_001291303.3(FAT4):c.13444A>C (p.Lys4482Gln)

Gene: FAT4 (FAT atypical cadherin 4; plus strand). Cytogenetic location: 4q28.1.
Variant type: single nucleotide variant.
Coding change: c.13444A>C on transcript NM_001291303.3 (MANE Select); coding-DNA position 13444, A replaced by C.
Protein change: p.Lys4482Gln; replaces lysine 4482 with glutamine.
Molecular consequence: missense variant.
Genome position (GRCh38, 1-based): chr4:125,490,260, A>C. VCF-style: chr4-125490260-A-C. GRCh37 (hg19) VCF-style: chr4-126411415-A-C.
Other names: c.13441A>C, p.Lys4481Gln (NM_001291285.3); c.13438A>C, p.Lys4480Gln (NM_024582.6); short protein forms K4480Q, K4481Q, K4482Q.
Identifiers: ClinVar variation 2693272 (VCV002693272.3), dbSNP rs2530082242, ClinGen allele CA358136538.

ClinVar aggregate classification (germline): Uncertain significance (1 of 4 stars; one submission).

Submission:

Labcorp Genetics (formerly Invitae), Labcorp
Classification: Uncertain significance. Last evaluated: 2023-11-04. Review status: criteria provided, single submitter. Criteria: Invitae Variant Classification Sherloc (09022015). Collection method: clinical testing. Allele origin: germline.
Comment: This sequence change replaces lysine, which is basic and polar, with glutamine, which is neutral and polar, at codon 4480 of the FAT4 protein (p.Lys4480Gln). This variant is not present in population databases (gnomAD no frequency). This variant has not been reported in the literature in individuals affected with FAT4-related conditions. Advanced modeling of protein sequence and biophysical properties (such as structural, functional, and spatial information, amino acid conservation, physicochemical variation, residue mobility, and thermodynamic stability) performed at Invitae indicates that this missense variant is not expected to disrupt FAT4 protein function with a negative predictive value of 80%. In summary, the available evidence is currently insufficient to determine the role of this variant in disease. Therefore, it has been classified as a Variant of Uncertain Significance.